The following is an entry in ClinVar:

ClinVar aggregate classification (germline): Uncertain significance. Review status: criteria provided, multiple submitters, no conflicts (2 of 4 stars). 2 submissions from 2 submitters: Uncertain significance (2). Last evaluated 2022-03-01.

Allele frequency attached by ClinVar (database versions not stated): ESP Exome Variant Server 0.00008.
gnomAD v4.1: 9 of 1,593,042 alleles (0.00056%); highest among the groups gnomAD compares: East Asian, 0.0046%; no homozygotes.

Submissions (2):

CeGaT Center for Human Genetics Tuebingen
Classification: Uncertain significance. Last evaluated: 2022-03-01. Review status: criteria provided, single submitter. Criteria: CeGaT Center For Human Genetics Tuebingen Variant Classification Criteria Version 2. Collection method: clinical testing. Allele origin: germline. Affected: yes. Observed: 1 variant allele.

GeneDx
Classification: Uncertain significance. Last evaluated: 2019-09-13. Review status: criteria provided, single submitter. Criteria: GeneDx Variant Classification Process June 2021. Collection method: clinical testing. Allele origin: germline. Affected: yes.
Comment: Not observed at a significant frequency in large population cohorts (Lek et al., 2016); In silico analysis, which includes protein predictors and evolutionary conservation, supports that this variant does not alter protein structure/function; Has not been previously published as pathogenic or benign to our knowledge

NM_004817.4(TJP2):c.599G>T (p.Ser200Ile)

Gene: TJP2 (tight junction protein 2; plus strand). Cytogenetic location: 9q21.11.
Variant type: single nucleotide variant.
Coding change: c.599G>T on transcript NM_004817.4 (MANE Select); coding-DNA position 599, G replaced by T.
Protein change: p.Ser200Ile; replaces serine 200 with isoleucine.
Molecular consequence: missense variant.
Genome position (GRCh38, 1-based): chr9:69,221,143, G>T. VCF-style: chr9-69221143-G-T. GRCh37 (hg19) VCF-style: chr9-71836059-G-T.
Other names: c.692G>T, p.Ser231Ile (NM_001170416.2); c.530G>T, p.Ser177Ile (NM_001369870.1, NM_001369871.1, NM_001170414.2); c.599G>T, p.Ser200Ile (NM_001369872.1, NM_001369873.1, NM_201629.3); c.611G>T, p.Ser204Ile (NM_001369874.1, NM_001369875.1, NM_001170415.1); short protein forms S177I, S200I, S204I, S231I.
Identifiers: ClinVar variation 1308061 (VCV001308061.26), dbSNP rs373944275, ClinGen allele CA5073047.